The following is an entry in ClinVar:

ClinVar aggregate classification (germline): Uncertain significance (1 of 4 stars; one submission).

Conditions:
Primary ciliary dyskinesia. Also called: Ciliary dyskinesia. Identifiers: Orphanet 244, MedGen C0008780, MONDO:0016575, HP:0012265.

Submission:

Labcorp Genetics (formerly Invitae), Labcorp
Classification: Uncertain significance for Primary ciliary dyskinesia. Last evaluated: 2025-06-24. Review status: criteria provided, single submitter. Criteria: Invitae Variant Classification Sherloc (09022015). Collection method: clinical testing. Allele origin: germline.
Comment: This sequence change replaces alanine, which is neutral and non-polar, with glycine, which is neutral and non-polar, at codon 262 of the CCNO protein (p.Ala262Gly). This variant is not present in population databases (gnomAD no frequency). This variant has not been reported in the literature in individuals affected with CCNO-related conditions. Invitae Evidence Modeling of protein sequence and biophysical properties (such as structural, functional, and spatial information, amino acid conservation, physicochemical variation, residue mobility, and thermodynamic stability) indicates that this missense variant is not expected to disrupt CCNO protein function with a negative predictive value of 80%. In summary, the available evidence is currently insufficient to determine the role of this variant in disease. Therefore, it has been classified as a Variant of Uncertain Significance.

NM_021147.5(CCNO):c.785C>G (p.Ala262Gly)

Gene: CCNO (cyclin O; minus strand). Cytogenetic location: 5q11.2.
Variant type: single nucleotide variant.
Coding change: c.785C>G on transcript NM_021147.5 (MANE Select); coding-DNA position 785, C replaced by G.
Protein change: p.Ala262Gly; replaces alanine 262 with glycine.
Molecular consequence: missense variant. On other transcripts: non-coding transcript variant (3).
Genome position (GRCh38, 1-based): chr5:55,231,643, G>C on the plus strand (C>G on the coding strand, the complement: CCNO is on the minus strand). VCF-style: chr5-55231643-G-C. GRCh37 (hg19) VCF-style: chr5-54527471-G-C.
Other names: short protein forms A262G.
Identifiers: ClinVar variation 4742961 (VCV004742961.1).